The following is an entry in ClinVar:

NM_018646.6(TRPV6):c.1532G>A (p.Gly511Glu)

Gene: TRPV6 (transient receptor potential cation channel subfamily V member 6; minus strand). Cytogenetic location: 7q34.
Variant type: single nucleotide variant.
Coding change: c.1532G>A on transcript NM_018646.6 (MANE Select); coding-DNA position 1532, G replaced by A.
Protein change: p.Gly511Glu; replaces glycine 511 with glutamic acid.
Molecular consequence: missense variant.
Genome position (GRCh38, 1-based): chr7:142,874,531, C>T on the plus strand (G>A on the coding strand, the complement: TRPV6 is on the minus strand). VCF-style: chr7-142874531-C-T. GRCh37 (hg19) VCF-style: chr7-142572284-C-T.
Other names: short protein forms G511E.
Identifiers: ClinVar variation 3645890 (VCV003645890.2).
Genomic context (GRCh38, chr7:142,874,531, plus strand): 5'-AGCTTGGGGGGAGGACTGACCTTCTGAATCATGATGGTGAAGGGGCCTAGCATCTGGAAT[C>T]CTCGGGCGAAGTACATGACGTTGCACCAGCCCAGCACGAGTGCAAAGGACATGGGTACCA-3'
Protein context (NP_061116.5, residues 501-521): GWCNVMYFAR[Gly511Glu]FQMLGPFTIM

ClinVar aggregate classification (germline): Uncertain significance (1 of 4 stars; one submission).

Submission:

Labcorp Genetics (formerly Invitae), Labcorp
Classification: Uncertain significance. Last evaluated: 2024-03-14. Review status: criteria provided, single submitter. Criteria: Invitae Variant Classification Sherloc (09022015). Collection method: clinical testing. Allele origin: germline.
Comment: This sequence change replaces glycine, which is neutral and non-polar, with glutamic acid, which is acidic and polar, at codon 511 of the TRPV6 protein (p.Gly511Glu). This variant is not present in population databases (gnomAD no frequency). This variant has not been reported in the literature in individuals affected with TRPV6-related conditions. Experimental studies and prediction algorithms are not available or were not evaluated, and the functional significance of this variant is currently unknown. In summary, the available evidence is currently insufficient to determine the role of this variant in disease. Therefore, it has been classified as a Variant of Uncertain Significance.